The following is an entry in ClinVar:

NM_002890.3(RASA1):c.2024G>A (p.Cys675Tyr)

Genes: CCNH (cyclin H; minus strand), RASA1 (RAS p21 protein activator 1; plus strand). Cytogenetic location: 5q14.3.
Variant type: single nucleotide variant.
Coding change: c.2024G>A on transcript NM_002890.3 (MANE Select); coding-DNA position 2024, G replaced by A.
Protein change: p.Cys675Tyr; replaces cysteine 675 with tyrosine.
Molecular consequence: missense variant. On other transcripts: intron variant (1).
Genome position (GRCh38, 1-based): chr5:87,376,405, G>A. VCF-style: chr5-87376405-G-A. GRCh37 (hg19) VCF-style: chr5-86672222-G-A.
Other names: c.1493G>A, p.Cys498Tyr (NM_022650.3); c.933+18639C>T (NM_001364075.2); short protein forms C498Y, C675Y.
Identifiers: ClinVar variation 3222912 (VCV003222912.1), dbSNP rs1189629577, ClinGen allele CA360378003.

ClinVar aggregate classification (germline): Uncertain significance (1 of 4 stars; one submission).

Conditions:
Cardiovascular phenotype. Identifiers: MedGen CN230736.

Allele frequency attached by ClinVar (database versions not stated): gnomAD 0.00001; TOPMed below 0.00001.
gnomAD v4.1: 1 of 1,613,754 alleles (0.000062%); highest among the groups gnomAD compares: African/African-American, 0.0013%; no homozygotes.

Submission:

Ambry Genetics
Classification: Uncertain significance for Cardiovascular phenotype. Last evaluated: 2024-02-06. Review status: criteria provided, single submitter. Criteria: Ambry Variant Classification Scheme 2023. Collection method: clinical testing. Allele origin: germline.
Comment: The p.C675Y variant (also known as c.2024G>A), located in coding exon 16 of the RASA1 gene, results from a G to A substitution at nucleotide position 2024. The cysteine at codon 675 is replaced by tyrosine, an amino acid with highly dissimilar properties. This amino acid position is conserved. In addition, this alteration is predicted to be deleterious by in silico analysis. Based on the available evidence, the clinical significance of this alteration remains unclear.